The following is an entry in ClinVar:

ClinVar aggregate classification (germline): Uncertain significance. Review status: criteria provided, multiple submitters, no conflicts (2 of 4 stars). 2 submissions from 2 submitters: Uncertain significance (2). Last evaluated 2025-09-21.

Conditions:
Tuberous sclerosis 2 (TSC2). Identifiers: Orphanet 805, MedGen C1860707, MONDO:0013199, OMIM 613254.
Hereditary cancer-predisposing syndrome. Also called: Hereditary neoplastic syndrome; Tumor predisposition; Neoplastic Syndromes, Hereditary; Hereditary Cancer Syndrome. Identifiers: Orphanet 140162, MedGen C0027672, MeSH D009386, MONDO:0015356.

gnomAD v4.1: 1 of 1,611,898 alleles (0.000062%); highest among the groups gnomAD compares: Non-Finnish European, 0.000085%; no homozygotes.

Submissions (2):

Ambry Genetics
Classification: Uncertain significance for Hereditary cancer-predisposing syndrome. Last evaluated: 2025-09-21. Review status: criteria provided, single submitter. Criteria: Ambry Variant Classification Scheme 2023. Collection method: clinical testing. Allele origin: germline.
Comment: The p.A224V variant (also known as c.671C>T), located in coding exon 7 of the TSC2 gene, results from a C to T substitution at nucleotide position 671. The alanine at codon 224 is replaced by valine, an amino acid with similar properties. This amino acid position is conserved. In addition, this alteration is predicted to be deleterious by in silico analysis. Based on the available evidence, the clinical significance of this variant remains unclear.

Labcorp Genetics (formerly Invitae), Labcorp
Classification: Uncertain significance for Tuberous sclerosis 2. Last evaluated: 2024-08-01. Review status: criteria provided, single submitter. Criteria: Invitae Variant Classification Sherloc (09022015). Collection method: clinical testing. Allele origin: germline.
Comment: This sequence change replaces alanine, which is neutral and non-polar, with valine, which is neutral and non-polar, at codon 224 of the TSC2 protein (p.Ala224Val). This variant is not present in population databases (gnomAD no frequency). This variant has not been reported in the literature in individuals affected with TSC2-related conditions. ClinVar contains an entry for this variant (Variation ID: 1475105). Advanced modeling of protein sequence and biophysical properties (such as structural, functional, and spatial information, amino acid conservation, physicochemical variation, residue mobility, and thermodynamic stability) performed at Invitae indicates that this missense variant is not expected to disrupt TSC2 protein function with a negative predictive value of 95%. In summary, the available evidence is currently insufficient to determine the role of this variant in disease. Therefore, it has been classified as a Variant of Uncertain Significance.

NM_000548.5(TSC2):c.671C>T (p.Ala224Val)

Gene: TSC2 (TSC complex subunit 2; plus strand). Cytogenetic location: 16p13.3.
Variant type: single nucleotide variant.
Coding change: c.671C>T on transcript NM_000548.5 (MANE Select); coding-DNA position 671, C replaced by T.
Protein change: p.Ala224Val; replaces alanine 224 with valine.
Molecular consequence: missense variant.
Genome position (GRCh38, 1-based): chr16:2,056,666, C>T. VCF-style: chr16-2056666-C-T. GRCh37 (hg19) VCF-style: chr16-2106667-C-T.
Other names: c.671C>T, p.Ala224Val (NM_001114382.3, NM_001363528.2, NM_001370404.1 and 3 more transcripts); c.560C>T, p.Ala187Val (NM_001318827.2); c.524C>T, p.Ala175Val (NM_001318829.2); c.71C>T, p.Ala24Val (NM_001318831.2); c.704C>T, p.Ala235Val (NM_001318832.2); c.671C>T (NM_000548.3); short protein forms A235V, A175V, A187V, A224V, A24V.
Identifiers: ClinVar variation 1475105 (VCV001475105.9), dbSNP rs2151078164, ClinGen allele CA394312458.